The following is an entry in ClinVar:

NM_024577.4(SH3TC2):c.1351G>T (p.Glu451Ter)

Gene: SH3TC2 (SH3 domain and tetratricopeptide repeats 2; minus strand). Cytogenetic location: 5q32.
Variant type: single nucleotide variant.
Coding change: c.1351G>T on transcript NM_024577.4 (MANE Select); coding-DNA position 1351, G replaced by T.
Protein change: p.Glu451Ter; replaces glutamic acid 451 with a stop codon.
Molecular consequence: nonsense.
Genome position (GRCh38, 1-based): chr5:149,028,381, C>A on the plus strand (G>T on the coding strand, the complement: SH3TC2 is on the minus strand). VCF-style: chr5-149028381-C-A. GRCh37 (hg19) VCF-style: chr5-148407944-C-A.
Other names: short protein forms E451*.
Identifiers: ClinVar variation 620528 (VCV000620528.1), dbSNP rs1308058909, ClinGen allele CA361669032.

ClinVar aggregate classification (germline): Pathogenic (1 of 4 stars; one submission).

Allele frequency attached by ClinVar (database versions not stated): TOPMed 0.00001.
gnomAD v4.1: 1 of 1,614,020 alleles (0.000062%); highest among the groups gnomAD compares: Non-Finnish European, 0.000085%; no homozygotes.

Submission:

GeneDx
Classification: Pathogenic. Last evaluated: 2019-01-11. Review status: criteria provided, single submitter. Criteria: GeneDx Variant Classification (06012015). Collection method: clinical testing. Allele origin: germline. Affected: yes.
Comment: The E451X variant in the SH3TC2 gene has not been reported previously as a pathogenic variant nor as a benign variant, to our knowledge. This variant is predicted to cause loss of normal protein function either through protein truncation or nonsense-mediated mRNA decay. The E451X variant is not observed in large population cohorts (Lek et al., 2016). We interpret E451X as a pathogenic variant.